The following is an entry in ClinVar:

ClinVar aggregate classification (germline): Uncertain significance (1 of 4 stars; one submission).

Conditions:
Hereditary cancer-predisposing syndrome. Also called: Neoplastic Syndromes, Hereditary; Tumor predisposition; Hereditary neoplastic syndrome; Hereditary Cancer Syndrome. Identifiers: Orphanet 140162, MedGen C0027672, MeSH D009386, MONDO:0015356.

Submission:

Ambry Genetics
Classification: Uncertain significance for Hereditary cancer-predisposing syndrome. Last evaluated: 2023-01-05. Review status: criteria provided, single submitter. Criteria: Ambry Variant Classification Scheme 2023. Collection method: clinical testing. Allele origin: germline.
Comment: The p.A676S variant (also known as c.2026G>T), located in coding exon 7 of the AXIN2 gene, results from a G to T substitution at nucleotide position 2026. The alanine at codon 676 is replaced by serine, an amino acid with similar properties. This amino acid position is conserved. In addition, this alteration is predicted to be tolerated by in silico analysis. Since supporting evidence is limited at this time, the clinical significance of this alteration remains unclear.

NM_004655.4(AXIN2):c.2026G>T (p.Ala676Ser)

Gene: AXIN2 (axin 2; minus strand). Cytogenetic location: 17q24.1.
Variant type: single nucleotide variant.
Coding change: c.2026G>T on transcript NM_004655.4 (MANE Select); coding-DNA position 2026, G replaced by T.
Protein change: p.Ala676Ser; replaces alanine 676 with serine.
Molecular consequence: missense variant.
Genome position (GRCh38, 1-based): chr17:65,536,435, C>A on the plus strand (G>T on the coding strand, the complement: AXIN2 is on the minus strand). VCF-style: chr17-65536435-C-A. GRCh37 (hg19) VCF-style: chr17-63532553-C-A.
Other names: c.1831G>T, p.Ala611Ser (NM_001363813.1); short protein forms A611S, A676S.
Identifiers: ClinVar variation 2451657 (VCV002451657.2), dbSNP rs1424100499, ClinGen allele CA400676136.
Genomic context (GRCh38, chr17:65,536,435, plus strand): 5'-GAGCCAGCGTGTTGGGTGGGGTCAGGGGAGGCATCGCAGGGTCCTGGGTGAACAGGTGGG[C>A]ACGGGGGGTGGTGCGGGGGTGCCCGCTGTTGCCCCCCCACAGATGGTGCCGGCTGGCTCG-3'
Protein context (NP_004646.3, residues 666-686): NSGHPRTTPR[Ala676Ser]HLFTQDPAMP